The following is an entry in ClinVar:

ClinVar aggregate classification (germline): Uncertain significance (1 of 4 stars; one submission).

Submission:

Women's Health and Genetics/Laboratory Corporation of America, LabCorp
Classification: Uncertain significance. Last evaluated: 2025-12-01. Review status: criteria provided, single submitter. Criteria: LabCorp Variant Classification Summary - May 2015. Collection method: clinical testing. Allele origin: germline.
Comment: Variant summary: CFTR c.2619+6_2619+7delAA alters a conserved nucleotide located close to a canonical splice site and therefore could affect mRNA splicing, leading to a significantly altered protein sequence. Consensus agreement among computation tools predict no significant impact on normal splicing. However, these predictions have yet to be confirmed by functional studies. The variant allele was found at a frequency of 6.2e-07 in 1604362 control chromosomes (gnomAD). The available data on variant occurrences in the general population are insufficient to allow any conclusion about variant significance. To our knowledge, no occurrence of c.2619+6_2619+7delAA in individuals affected with CFTR-related conditions and no experimental evidence demonstrating its impact on protein function have been reported. No submitters have cited clinical-significance assessments for this variant to ClinVar. Based on the evidence outlined above, the variant was classified as uncertain significance.

NM_000492.4(CFTR):c.2619+6_2619+7del

Gene: CFTR (CF transmembrane conductance regulator; plus strand). Cytogenetic location: 7q31.2.
Variant type: Deletion.
Coding change: c.2619+6_2619+7del on transcript NM_000492.4 (MANE Select); bases 6 to 7 of the intron after coding-DNA position 2619, 2 bases deleted (AA; older notation c.2619+6_2619+7delAA).
Molecular consequence: intron variant.
Genome position (GRCh38, 1-based): chr7:117,595,064-117,595,065, AA deleted. VCF-style (leftmost placement, unchanged base first): chr7-117595063-GAA-G. GRCh37 (hg19) VCF-style: chr7-117235117-GAA-G.
Other names: c.2619+6_2619+7delAA (NM_000492.4).
Identifiers: ClinVar variation 4688688 (VCV004688688.1).